The following is an entry in ClinVar:

ClinVar aggregate classification (germline): Uncertain significance (1 of 4 stars; one submission).

gnomAD v4.1: 15 of 1,211,526 alleles (0.0012%); highest among the groups gnomAD compares: Non-Finnish European, 0.0017%; no homozygotes.

Submission:

Labcorp Genetics (formerly Invitae), Labcorp
Classification: Uncertain significance. Last evaluated: 2024-12-02. Review status: criteria provided, single submitter. Criteria: Invitae Variant Classification Sherloc (09022015). Collection method: clinical testing. Allele origin: germline.
Comment: This sequence change replaces lysine, which is basic and polar, with asparagine, which is neutral and polar, at codon 1113 of the NEXMIF protein (p.Lys1113Asn). This variant is not present in population databases (gnomAD no frequency). This variant has not been reported in the literature in individuals affected with NEXMIF-related conditions. An algorithm developed to predict the effect of missense changes on protein structure and function (PolyPhen-2) suggests that this variant is likely to be disruptive. In summary, the available evidence is currently insufficient to determine the role of this variant in disease. Therefore, it has been classified as a Variant of Uncertain Significance.

NM_001008537.3(NEXMIF):c.3339G>C (p.Lys1113Asn)

Gene: NEXMIF (neurite extension and migration factor; minus strand). Cytogenetic location: Xq13.3.
Variant type: single nucleotide variant.
Coding change: c.3339G>C on transcript NM_001008537.3 (MANE Select); coding-DNA position 3339, G replaced by C.
Protein change: p.Lys1113Asn; replaces lysine 1113 with asparagine.
Molecular consequence: missense variant.
Genome position (GRCh38, 1-based): chrX:74,741,218, C>G on the plus strand (G>C on the coding strand, the complement: NEXMIF is on the minus strand). VCF-style: chrX-74741218-C-G. GRCh37 (hg19) VCF-style: chrX-73961053-C-G.
Other names: short protein forms K1113N.
Identifiers: ClinVar variation 3723026 (VCV003723026.2).